The following is an entry in ClinVar:

ClinVar aggregate classification (germline): Pathogenic (1 of 4 stars; one submission).

Conditions:
ERCC2-related disorder. Also called: ERCC2-related conditions; ERCC2-related condition; ERCC2-related disorders. Identifiers: MedGen CN239291.

Submission:

Myriad Genetics, Inc.
Classification: Pathogenic for ERCC2-related disorder. Last evaluated: 2025-01-20. Review status: criteria provided, single submitter. Criteria: Myriad Autosomal Dominant, Autosomal Recessive and X-Linked Classification Criteria (2023). Collection method: clinical testing. Allele origin: unknown.
Comment: NM_000400.3(ERCC2):c.424delG(V142Cfs*39) is expected to be pathogenic in the context of ERCC2-related disorders. This variant is predicted to lead to an abnormal or absent protein product due to the creation of a premature termination codon in ERCC2, a gene where loss-of-function variants are known to be pathogenic. Please note: this variant was assessed in the context of healthy population screening.

NM_000400.4(ERCC2):c.424del (p.Val142fs)

Gene: ERCC2 (ERCC excision repair 2, TFIIH core complex helicase subunit; minus strand). Cytogenetic location: 19q13.32.
Variant type: Deletion.
Coding change: c.424del on transcript NM_000400.4 (MANE Select); coding-DNA position 424, one base deleted (G; older notation c.424delG).
Protein change: p.Val142fs; shifts the reading frame from valine 142.
Molecular consequence: frameshift variant. On other transcripts: non-coding transcript variant (3).
Genome position (GRCh38, 1-based): chr19:45,365,095, C deleted on the plus strand (G on the coding strand, the reverse complement: ERCC2 is on the minus strand). VCF-style (leftmost placement, unchanged base first): chr19-45365094-AC-A. GRCh37 (hg19) VCF-style: chr19-45868352-AC-A.
Other names: c.352del, p.Val118fs (NM_001130867.2, NM_001440355.1); c.346del, p.Val116fs (NM_001440356.1); c.301del, p.Val101fs (NM_001440357.1); short protein forms V101fs, V116fs, V118fs, V142fs.
Identifiers: ClinVar variation 5013985 (VCV005013985.1).